The following is an entry in ClinVar:

ClinVar aggregate classification (germline): Pathogenic. Review status: criteria provided, multiple submitters, no conflicts (2 of 4 stars). 4 submissions from 4 submitters: Pathogenic (4). Last evaluated 2023-04-01.

Conditions:
DICER1-related tumor predisposition. Also called: DICER1 syndrome; DICER1-related pleuropulmonary blastoma cancer predisposition syndrome. Identifiers: Orphanet 284343, MedGen C3839822, MONDO:0100216.
Hereditary cancer-predisposing syndrome. Also called: Tumor predisposition; Hereditary Cancer Syndrome; Neoplastic Syndromes, Hereditary; Hereditary neoplastic syndrome. Identifiers: Orphanet 140162, MedGen C0027672, MeSH D009386, MONDO:0015356.

Submissions (4):

CeGaT Center for Human Genetics Tuebingen
Classification: Pathogenic. Last evaluated: 2023-04-01. Review status: criteria provided, single submitter. Criteria: CeGaT Center For Human Genetics Tuebingen Variant Classification Criteria Version 2. Collection method: clinical testing. Allele origin: germline. Affected: yes. Observed: 1 variant allele.
Comment: DICER1: PVS1, PM2

Ambry Genetics
Classification: Pathogenic for Hereditary cancer-predisposing syndrome. Last evaluated: 2021-07-06. Review status: criteria provided, single submitter. Criteria: Ambry Variant Classification Scheme 2023. Collection method: clinical testing. Allele origin: germline.
Comment: The p.E1226* variant (also known as c.3676G>T), located in coding exon 20 of the DICER1 gene, results from a G to T substitution at nucleotide position 3676. This changes the amino acid from a glutamic acid to a stop codon within coding exon 20. This alteration is expected to result in loss of function by premature protein truncation or nonsense-mediated mRNA decay. As such, this alteration is interpreted as a disease-causing mutation.

Foulkes Cancer Genetics LDI, Lady Davis Institute for Medical Research
Classification: Pathogenic for Pleuropulmonary blastoma. Last evaluated: 2019-07-01. Review status: criteria provided, single submitter. Criteria: ACMG Guidelines, 2015. Collection method: curation. Allele origin: germline. Affected: yes. Observed: 1 variant allele.
Comment: ACMG criteria met: PVS1, PM2, PP4

International Pleuropulmonary Blastoma Registry, Children's Hospitals and Clinics of Minnesota
Classification: Pathogenic for Pleuropulmonary blastoma. Last evaluated: 2014-11-10. Review status: criteria provided, single submitter. Criteria: Hill et al. (Science. 2009). Collection method: clinical testing. Allele origin: germline. Affected: yes. Study: PPB-DICER1 Genetic study.

Literature cited by the submitters: PubMed 26925222 (cited by Foulkes Cancer Genetics LDI, Lady Davis Institute for Medical Research and International Pleuropulmonary Blastoma Registry, Children's Hospitals and Clinics of Minnesota).

NM_177438.3(DICER1):c.3676G>T (p.Glu1226Ter)

Gene: DICER1 (dicer 1, ribonuclease III; minus strand). Cytogenetic location: 14q32.13.
Variant type: single nucleotide variant.
Coding change: c.3676G>T on transcript NM_177438.3 (MANE Select); coding-DNA position 3676, G replaced by T.
Protein change: p.Glu1226Ter; replaces glutamic acid 1226 with a stop codon.
Molecular consequence: nonsense.
Genome position (GRCh38, 1-based): chr14:95,103,720, C>A on the plus strand (G>T on the coding strand, the complement: DICER1 is on the minus strand). VCF-style: chr14-95103720-C-A. GRCh37 (hg19) VCF-style: chr14-95570057-C-A.
Other names: c.3676G>T, p.Glu1226Ter (NM_001195573.1, NM_001271282.3, NM_001291628.2 and 1 more transcripts); short protein forms E1226*.
Identifiers: ClinVar variation 254327 (VCV000254327.33), dbSNP rs748087536, ClinGen allele CA10586423.